The following is an entry in ClinVar:

ClinVar aggregate classification (germline): Pathogenic/Likely pathogenic. Review status: criteria provided, multiple submitters, no conflicts (2 of 4 stars). 2 submissions from 2 submitters: Pathogenic (1); Likely pathogenic (1). Last evaluated 2024-04-25.

Conditions:
Werner syndrome (WRN). Identifiers: Orphanet 902, MedGen C0043119, MONDO:0010196, OMIM 277700.

Allele frequency attached by ClinVar (database versions not stated): TOPMed below 0.00001.

Submissions (2):

Fulgent Genetics
Classification: Likely pathogenic for Werner syndrome. Last evaluated: 2024-04-25. Review status: criteria provided, single submitter. Criteria: ACMG Guidelines, 2015. Collection method: clinical testing. Allele origin: germline.

Labcorp Genetics (formerly Invitae), Labcorp
Classification: Pathogenic for Werner syndrome. Last evaluated: 2022-02-17. Review status: criteria provided, single submitter. Criteria: Invitae Variant Classification Sherloc (09022015). Collection method: clinical testing. Allele origin: germline.
Comment: For these reasons, this variant has been classified as Pathogenic. This variant has not been reported in the literature in individuals affected with WRN-related conditions. This variant is not present in population databases (gnomAD no frequency). This sequence change creates a premature translational stop signal (p.Gln329*) in the WRN gene. It is expected to result in an absent or disrupted protein product. Loss-of-function variants in WRN are known to be pathogenic (PMID: 16673358).

Literature cited by the submitters: PubMed 16673358 (cited by Labcorp Genetics (formerly Invitae), Labcorp).

NM_000553.6(WRN):c.985C>T (p.Gln329Ter)

Gene: WRN (WRN RecQ like helicase; plus strand). Cytogenetic location: 8p12.
Variant type: single nucleotide variant.
Coding change: c.985C>T on transcript NM_000553.6 (MANE Select); coding-DNA position 985, C replaced by T.
Protein change: p.Gln329Ter; replaces glutamine 329 with a stop codon.
Molecular consequence: nonsense.
Genome position (GRCh38, 1-based): chr8:31,081,012, C>T. VCF-style: chr8-31081012-C-T. GRCh37 (hg19) VCF-style: chr8-30938528-C-T.
Other names: short protein forms Q329*.
Identifiers: ClinVar variation 1459001 (VCV001459001.7), dbSNP rs1813285283, ClinGen allele CA370920122.
Genomic context (GRCh38, chr8:31,081,012, plus strand): 5'-CTGAGGCCCAGCAATAATTTAAACTTATTATCCTTTGAAGATTCAACTACTGGGGGAGTA[C>T]AACAGAAACAAATTAGAGAACATGAAGTTTTAATTCACGTTGAAGATGAAACATGGGACC-3'